The following is an entry in ClinVar:

NM_000548.5(TSC2):c.474A>G (p.Glu158=)

Gene: TSC2 (TSC complex subunit 2; plus strand). Cytogenetic location: 16p13.3.
Variant type: single nucleotide variant.
Coding change: c.474A>G on transcript NM_000548.5 (MANE Select); coding-DNA position 474, A replaced by G.
Protein change: p.Glu158=; no amino-acid change (glutamic acid 158 retained).
Molecular consequence: synonymous variant. On other transcripts: 5 prime UTR variant (13), missense variant (1), non-coding transcript variant (5), intron variant (6).
Genome position (GRCh38, 1-based): chr16:2,054,433, A>G. VCF-style: chr16-2054433-A-G. GRCh37 (hg19) VCF-style: chr16-2104434-A-G.
Other names: c.564A>G, p.Glu188= (NM_001406667.1, NM_001406668.1); c.363A>G, p.Glu121= (NM_001406670.1, NM_001406678.1, NM_001318827.2); c.474A>G, p.Glu158= (NM_001406671.1, NM_001077183.3, NM_001114382.3 and 8 more transcripts); c.327A>G, p.Glu109= (NM_001406675.1, NM_001406676.1, NM_001406679.1 and 1 more transcripts); c.417A>G, p.Glu139= (NM_001406677.1); c.-343A>G (NM_001406680.1, NM_001406683.1, NM_001406687.1); c.29A>G, p.Lys10Arg (NM_001406681.1); c.507A>G, p.Glu169= (NM_001318832.2); and 6 more; short protein forms K10R.
Identifiers: ClinVar variation 2018417 (VCV002018417.7), dbSNP rs2151044701, ClinGen allele CA492955707.

ClinVar aggregate classification (germline): Benign/Likely benign. Review status: criteria provided, multiple submitters, no conflicts (2 of 4 stars). 3 submissions from 3 submitters: Benign (1); Likely benign (2). Last evaluated 2025-05-05.

Conditions:
Hereditary cancer-predisposing syndrome. Also called: Neoplastic Syndromes, Hereditary; Hereditary Cancer Syndrome; Tumor predisposition; Hereditary neoplastic syndrome. Identifiers: Orphanet 140162, MedGen C0027672, MeSH D009386, MONDO:0015356.
Tuberous sclerosis 2 (TSC2). Identifiers: Orphanet 805, MedGen C1860707, MONDO:0013199, OMIM 613254.

Submissions (3):

Myriad Genetics, Inc.
Classification: Benign for Tuberous sclerosis 2. Last evaluated: 2025-05-05. Review status: criteria provided, single submitter. Criteria: Myriad Autosomal Dominant, Autosomal Recessive and X-Linked Classification Criteria (2023). Collection method: clinical testing. Allele origin: unknown.
Comment: This variant is considered benign. This variant is a silent/synonymous amino acid change and it is not expected to impact splicing.

Labcorp Genetics (formerly Invitae), Labcorp
Classification: Likely benign for Tuberous sclerosis 2. Last evaluated: 2025-01-22. Review status: criteria provided, single submitter. Criteria: Invitae Variant Classification Sherloc (09022015). Collection method: clinical testing. Allele origin: germline.

Ambry Genetics
Classification: Likely benign for Hereditary cancer-predisposing syndrome. Last evaluated: 2023-09-06. Review status: criteria provided, single submitter. Criteria: Ambry Variant Classification Scheme 2023. Collection method: clinical testing. Allele origin: germline.